The following is an entry in ClinVar:

NM_182643.3(DLC1):c.2540G>A (p.Gly847Asp)

Gene: DLC1 (DLC1 Rho GTPase activating protein; minus strand). Cytogenetic location: 8p22.
Variant type: single nucleotide variant.
Coding change: c.2540G>A on transcript NM_182643.3 (MANE Select); coding-DNA position 2540, G replaced by A.
Protein change: p.Gly847Asp; replaces glycine 847 with aspartic acid.
Molecular consequence: missense variant.
Genome position (GRCh38, 1-based): chr8:13,099,797, C>T on the plus strand (G>A on the coding strand, the complement: DLC1 is on the minus strand). VCF-style: chr8-13099797-C-T. GRCh37 (hg19) VCF-style: chr8-12957306-C-T.
Other names: c.2540G>A (NM_182643.2); c.1007G>A, p.Gly336Asp (NM_001164271.2, NM_001348082.2, NM_001348083.1 and 6 more transcripts); c.1331G>A, p.Gly444Asp (NM_001316668.2, NM_001413129.1); c.2540G>A, p.Gly847Asp (NM_001348081.2, NM_001413124.1); c.1322G>A, p.Gly441Asp (NM_001413130.1); c.980G>A, p.Gly327Asp (NM_001413131.1, NM_001413137.1); c.1466G>A, p.Gly489Asp (NM_001413132.1); c.1229G>A, p.Gly410Asp (NM_001413135.1, NM_001413136.1, NM_001413139.1 and 1 more transcripts); and 1 more; short protein forms G336D, G441D, G847D, G455D, G327D, G410D, G444D, G489D.
Identifiers: ClinVar variation 2790526 (VCV002790526.5), dbSNP rs1486488777, ClinGen allele CA370344931.

ClinVar aggregate classification (germline): Uncertain significance. Review status: criteria provided, multiple submitters, no conflicts (2 of 4 stars). 3 submissions from 3 submitters: Uncertain significance (3). Last evaluated 2024-10-07.

Conditions:
Colorectal cancer. Also called: Colorectal cancer, somatic; Malignant Colorectal Neoplasm. Identifiers: MedGen C0346629, MONDO:0005575, OMIM 114500.

Allele frequency attached by ClinVar (database versions not stated): gnomAD exomes 0.00001.
gnomAD v4.1: 17 of 1,614,116 alleles (0.0011%); highest among the groups gnomAD compares: Non-Finnish European, 0.0014%; no homozygotes.

Submissions (3):

Ambry Genetics
Classification: Uncertain significance. Last evaluated: 2024-10-07. Review status: criteria provided, single submitter. Criteria: Ambry Variant Classification Scheme 2023. Collection method: clinical testing. Allele origin: germline.

Fulgent Genetics
Classification: Uncertain significance for Colorectal cancer. Last evaluated: 2024-06-17. Review status: criteria provided, single submitter. Criteria: ACMG Guidelines, 2015. Collection method: clinical testing. Allele origin: germline.

Labcorp Genetics (formerly Invitae), Labcorp
Classification: Uncertain significance. Last evaluated: 2023-08-02. Review status: criteria provided, single submitter. Criteria: Invitae Variant Classification Sherloc (09022015). Collection method: clinical testing. Allele origin: germline.
Comment: In summary, the available evidence is currently insufficient to determine the role of this variant in disease. Therefore, it has been classified as a Variant of Uncertain Significance. An algorithm developed to predict the effect of missense changes on protein structure and function (PolyPhen-2) suggests that this variant is likely to be tolerated. This variant has not been reported in the literature in individuals affected with DLC1-related conditions. This variant is present in population databases (no rsID available, gnomAD 0.002%). This sequence change replaces glycine, which is neutral and non-polar, with aspartic acid, which is acidic and polar, at codon 847 of the DLC1 protein (p.Gly847Asp).